The following is an entry in ClinVar:

NC_000001.11:g.(?_241508593)_(241513723_?)del

Gene: FH (fumarate hydratase; minus strand). Cytogenetic location: 1q43.
Variant type: Deletion.
Identifiers: ClinVar variation 832670 (VCV000832670.45).

ClinVar aggregate classification (germline): Likely pathogenic (1 of 4 stars; one submission).

Submission:

Labcorp Genetics (formerly Invitae), Labcorp
Classification: Likely pathogenic. Last evaluated: 2019-06-24. Review status: criteria provided, single submitter. Criteria: Invitae Variant Classification Sherloc (09022015). Collection method: clinical testing. Allele origin: germline.
Comment: This deletion disrupts several amino acid residues including p.Asn107, p.Met195, and p.Arg233 in FH. Other variant(s) that disrupt these residues have been determined to be pathogenic (PMID: 11865300, 24625422, 22473397, 22764886, 21445611, 15937070). This suggests that these residues are clinically significant, and that variants that disrupt this region are likely to be disease-causing. In summary, the currently available evidence indicates that the variant is pathogenic, but additional data are needed to prove that conclusively. Therefore, this variant has been classified as Likely Pathogenic. This variant has been observed in individuals with clinical features of hereditary leiomyomatosis and renal cell cancer (HLRCC) (PMID: 28300276, Invitae). This variant is an in-frame deletion of the genomic region encompassing exons 3-5 of the FH gene. It preserves the integrity of the reading frame.

Literature cited by the submitters: PubMed 11865300; PubMed 24625422; PubMed 22473397; PubMed 22764886; PubMed 21445611; PubMed 15937070; PubMed 28300276.